The following is an entry in ClinVar:

NM_000363.5(TNNI3):c.178G>C (p.Glu60Gln)

Gene: TNNI3 (troponin I3, cardiac type; minus strand). Cytogenetic location: 19q13.42.
Variant type: single nucleotide variant.
Coding change: c.178G>C on transcript NM_000363.5 (MANE Select); coding-DNA position 178, G replaced by C.
Protein change: p.Glu60Gln; replaces glutamic acid 60 with glutamine.
Molecular consequence: missense variant.
Genome position (GRCh38, 1-based): chr19:55,156,305, C>G on the plus strand (G>C on the coding strand, the complement: TNNI3 is on the minus strand). VCF-style: chr19-55156305-C-G. GRCh37 (hg19) VCF-style: chr19-55667673-C-G.
Other names: short protein forms E60Q.
Identifiers: ClinVar variation 3327652 (VCV003327652.1).
Genomic context (GRCh38, chr19:55,156,305, plus strand): 5'-AGCGGGTGCTCAGAGCGCGCCCCTTCTCTCCGCGCCGCTCCTCCGCCTCTCGCTCCAGCT[C>G]TTGCTTTGCAATCTGCAGCAGCAGAGTCTGCAGAGGGGTGGGAGGGAAGCGCAGCCCACC-3'
Protein context (NP_000354.4, residues 50-70): KTLLLQIAKQ[Glu60Gln]LEREAEERRG

ClinVar aggregate classification (germline): Uncertain significance (1 of 4 stars; one submission).

Conditions:
Cardiovascular phenotype. Identifiers: MedGen CN230736.

gnomAD v4.1: 6 of 1,610,244 alleles (0.00037%); highest among the groups gnomAD compares: South Asian, 0.0066%; no homozygotes.

Submission:

Ambry Genetics
Classification: Uncertain significance for Cardiovascular phenotype. Last evaluated: 2024-04-20. Review status: criteria provided, single submitter. Criteria: Ambry Variant Classification Scheme 2023. Collection method: clinical testing. Allele origin: germline.
Comment: The p.E60Q variant (also known as c.178G>C), located in coding exon 5 of the TNNI3 gene, results from a G to C substitution at nucleotide position 178. The glutamic acid at codon 60 is replaced by glutamine, an amino acid with highly similar properties. This amino acid position is conserved. In addition, the in silico prediction for this alteration is inconclusive. Based on the available evidence, the clinical significance of this variant remains unclear.